The following is an entry in ClinVar:

NM_014915.3(ANKRD26):c.639-12T>C

Gene: ANKRD26 (ankyrin repeat domain containing 26; minus strand). Cytogenetic location: 10p12.1.
Variant type: single nucleotide variant.
Coding change: c.639-12T>C on transcript NM_014915.3 (MANE Select); 12 bases into the intron before coding-DNA position 639, T replaced by C.
Molecular consequence: intron variant.
Genome position (GRCh38, 1-based): chr10:27,086,621, A>G on the plus strand (T>C on the coding strand, the complement: ANKRD26 is on the minus strand). VCF-style: chr10-27086621-A-G. GRCh37 (hg19) VCF-style: chr10-27375550-A-G.
Other names: c.639-12T>C (NM_001256053.2).
Identifiers: ClinVar variation 3369500 (VCV003369500.1).
Genomic context (GRCh38, chr10:27,086,621, plus strand): 5'-ATGTTTAGGTATCCTTTCTTCTTTATATTCTGAAATTAGTTGGTGACTGCTATGTATAGA[A>G]AAATGTAACAAAATTATGTTAATACTGATACAAAAAATATTTACCAAATATCTCAAAATC-3'

ClinVar aggregate classification (germline): Uncertain significance (1 of 4 stars; one submission).

Submission:

GeneDx
Classification: Uncertain significance. Last evaluated: 2024-02-21. Review status: criteria provided, single submitter. Criteria: GeneDx Variant Classification Process June 2021. Collection method: clinical testing. Allele origin: germline. Affected: yes.
Comment: Not observed at significant frequency in large population cohorts (gnomAD); In silico analysis supports that this variant does not alter splicing; Has not been previously published as pathogenic or benign to our knowledge